The following is an entry in ClinVar:

ClinVar aggregate classification (germline): Uncertain significance. Review status: criteria provided, multiple submitters, no conflicts (2 of 4 stars). 2 submissions from 2 submitters: Uncertain significance (2). Last evaluated 2026-05-29.

Conditions:
SIM1-related disorder. Also called: SIM1-related disorders; SIM1-related condition.

gnomAD v4.1: 5 of 1,613,314 alleles (0.00031%); highest among the groups gnomAD compares: Non-Finnish European, 0.00042%; no homozygotes.

Submissions (2):

PreventionGenetics, part of Exact Sciences
Classification: Uncertain significance for SIM1-related condition. Last evaluated: 2026-05-29. Review status: criteria provided, single submitter. Criteria: ACMG Guidelines, 2015. Collection method: clinical testing. Allele origin: germline.
Comment: The SIM1 c.1484C>A variant is predicted to result in the amino acid substitution p.Ala495Asp. To our knowledge, this variant has not been reported in the literature or in a large population database (gnomAD), indicating this variant is rare. At this time, the clinical significance of this variant is uncertain due to the absence of conclusive functional and genetic evidence.

GeneDx
Classification: Uncertain significance. Last evaluated: 2017-09-12. Review status: criteria provided, single submitter. Criteria: GeneDx Variant Classification (06012015). Collection method: clinical testing. Allele origin: germline. Affected: yes.
Comment: The c.1484 C>A variant has not been published as a pathogenic variant, nor has it been reported as a benign variant to our knowledge. The c.1484 C>A variant is not observed in large population cohorts (Lek et al., 2016; 1000 Genomes Consortium et al., 2015; Exome Variant Server). Several in-silico splice prediction models predict that c.1484 C>A may create a cryptic splice acceptor site which may supplant the natural acceptor site and lead to abnormal gene splicing; however, in the absence of RNA/functional studies the actual effect of c.1484 C>A on splicing is unknown. If c.1484 C>A does not alter splicing, it will result in the A495D missense change, which is a non-conservative amino acid substitution that is likely to impact secondary protein structure as these residues differ in polarity, charge, size and/or other properties. This substitution occurs at a position that is conserved in mammals. In silico analysis is inconsistent in its predictions as to whether or not the variant is damaging to the protein structure/function. Therefore, based on the currently available information, it is unclear whether this variant is a pathogenic variant or a rare benign variant.

NM_005068.3(SIM1):c.1484C>A (p.Ala495Asp)

Genes: SIM1 (SIM bHLH transcription factor 1; minus strand), SIM1-AS1 (SIM1 antisense RNA 1; plus strand). Cytogenetic location: 6q16.3.
Variant type: single nucleotide variant.
Coding change: c.1484C>A on transcript NM_005068.3 (MANE Select); coding-DNA position 1484, C replaced by A.
Protein change: p.Ala495Asp; replaces alanine 495 with aspartic acid.
Molecular consequence: missense variant.
Genome position (GRCh38, 1-based): chr6:100,393,573, G>T on the plus strand (C>A on the coding strand, the complement: SIM1 is on the minus strand). VCF-style: chr6-100393573-G-T. GRCh37 (hg19) VCF-style: chr6-100841449-G-T.
Other names: c.1484C>A, p.Ala495Asp (NM_001374769.1); short protein forms A495D.
Identifiers: ClinVar variation 451801 (VCV000451801.3), dbSNP rs1483567734, ClinGen allele CA365298997.
Genomic context (GRCh38, chr6:100,393,573, plus strand): 5'-TGAGGCATGCTGTTTTCATAGGCTTCTCTGCTTTCTGGGGAGGCCTTTGTCAGGGGCAAG[G>T]CTGCGCGAGAGCCCCACCAGGGCTCCCTCCCGGCCTGCGGCGTTCCCAGGAAGTACCTGC-3'
Protein context (NP_005059.2, residues 485-505): GREPWWGSRA[Ala495Asp]LPLTKASPES